The following is an entry in ClinVar:

NM_015627.3(LDLRAP1):c.619G>T (p.Val207Phe)

Gene: LDLRAP1 (low density lipoprotein receptor adaptor protein 1; plus strand). Cytogenetic location: 1p36.11.
Variant type: single nucleotide variant.
Coding change: c.619G>T on transcript NM_015627.3 (MANE Select); coding-DNA position 619, G replaced by T.
Protein change: p.Val207Phe; replaces valine 207 with phenylalanine.
Molecular consequence: missense variant.
Genome position (GRCh38, 1-based): chr1:25,563,663, G>T. VCF-style: chr1-25563663-G-T. GRCh37 (hg19) VCF-style: chr1-25890154-G-T.
Other names: short protein forms V207F.
Identifiers: ClinVar variation 1752158 (VCV001752158.2), dbSNP rs1181353542, ClinGen allele CA339074232.

ClinVar aggregate classification (germline): Uncertain significance (1 of 4 stars; one submission).

Conditions:
Cardiovascular phenotype. Identifiers: MedGen CN230736.

Submission:

Ambry Genetics
Classification: Uncertain significance for Cardiovascular phenotype. Last evaluated: 2021-07-04. Review status: criteria provided, single submitter. Criteria: Ambry Variant Classification Scheme 2023. Collection method: clinical testing. Allele origin: germline.
Comment: The p.V207F variant (also known as c.619G>T), located in coding exon 7 of the LDLRAP1 gene, results from a G to T substitution at nucleotide position 619. The valine at codon 207 is replaced by phenylalanine, an amino acid with highly similar properties. This amino acid position is conserved. In addition, this alteration is predicted to be tolerated by in silico analysis. Since supporting evidence is limited at this time, the clinical significance of this alteration remains unclear.